The following is an entry in ClinVar:

NM_000289.6(PFKM):c.-8-86G>T

Gene: PFKM (phosphofructokinase, muscle; plus strand). Cytogenetic location: 12q13.11.
Variant type: single nucleotide variant.
Coding change: c.-8-86G>T on transcript NM_000289.6 (MANE Select); 86 bases into the intron before 8 bases upstream of the start codon, G replaced by T.
Molecular consequence: intron variant. On other transcripts: 5 prime UTR variant (1).
Genome position (GRCh38, 1-based): chr12:48,122,681, G>T. VCF-style: chr12-48122681-G-T. GRCh37 (hg19) VCF-style: chr12-48516464-G-T.
Other names: c.-94G>T (NM_001166688.2); c.17-86G>T (NM_001354741.2); c.-8-86G>T (NM_001354742.2, NM_001354743.2, NM_001354744.2 and 2 more transcripts); c.-84-86G>T (NM_001354747.2, NM_001354748.2); c.206-86G>T (NM_001166686.2, NM_001354737.1, NM_001354739.1 and 1 more transcripts); c.302-86G>T (NM_001354736.1, NM_001354735.1); c.137-86G>T (NM_001354740.1); c.-333-86G>T (NM_001354745.2); and 1 more.
Identifiers: ClinVar variation 676173 (VCV000676173.4), dbSNP rs2269935, ClinGen allele CA13708633.

ClinVar aggregate classification (germline): Benign. Review status: criteria provided, multiple submitters, no conflicts (2 of 4 stars). 3 submissions from 3 submitters: Benign (3). Last evaluated 2021-07-01.

Conditions:
Glycogen storage disease, type VII (GSD7). Also called: GSD VII; MUSCLE PHOSPHOFRUCTOKINASE DEFICIENCY; PFKM DEFICIENCY; TARUI DISEASE. Identifiers: Orphanet 371, MedGen C0017926, MONDO:0009295, OMIM 232800.

Allele frequency attached by ClinVar (database versions not stated): 1000 Genomes Project 30x 0.13695; 1000 Genomes Project 0.14018; gnomAD 0.16268 and 0.16403; TOPMed 0.17093; gnomAD exomes 0.20281.

Submissions (3):

Pars Genome Lab
Classification: Benign for Glycogen storage disease, type VII. Last evaluated: 2021-07-01. Review status: criteria provided, single submitter. Criteria: ACMG Guidelines, 2015. Collection method: clinical testing. Allele origin: germline. Affected: no.

GeneDx
Classification: Benign. Last evaluated: 2018-06-16. Review status: criteria provided, single submitter. Criteria: GeneDx Variant Classification (06012015). Collection method: clinical testing. Allele origin: germline. Affected: yes.
Comment: This variant is considered likely benign or benign based on one or more of the following criteria: it is a conservative change, it occurs at a poorly conserved position in the protein, it is predicted to be benign by multiple in silico algorithms, and/or has population frequency not consistent with disease.

Breakthrough Genomics
Classification: Benign. Review status: criteria provided, single submitter. Criteria: ACMG Guidelines, 2015. Collection method: not provided. Allele origin: germline. Inheritance: Autosomal recessive inheritance. Affected: yes.